The following is an entry in ClinVar:

NM_033028.5(BBS4):c.341del (p.Leu114fs)

Gene: BBS4 (Bardet-Biedl syndrome 4; plus strand). Cytogenetic location: 15q24.1.
Variant type: Deletion.
Coding change: c.341del on transcript NM_033028.5 (MANE Select); coding-DNA position 341, one base deleted (T; older notation c.341delT).
Protein change: p.Leu114fs; shifts the reading frame from leucine 114.
Molecular consequence: frameshift variant. On other transcripts: 5 prime UTR variant (1), non-coding transcript variant (2).
Genome position (GRCh38, 1-based): chr15:72,716,786, T deleted; the last of 4 consecutive T bases (chr15:72,716,783-72,716,786); deleting any one gives the same sequence. VCF-style (leftmost placement, unchanged base first): chr15-72716782-CT-C. GRCh37 (hg19) VCF-style: chr15-73009123-CT-C.
Other names: c.-181del (NM_001252678.2); c.341del, p.Leu114fs (NM_001320665.2); c.341del (NM_033028.4); short protein forms L114fs.
Identifiers: ClinVar variation 579105 (VCV000579105.13), dbSNP rs750258633, ClinGen allele CA7646597.

ClinVar aggregate classification (germline): Pathogenic/Likely pathogenic. Review status: criteria provided, multiple submitters, no conflicts (2 of 4 stars). 5 submissions from 5 submitters: Pathogenic (2); Likely pathogenic (2). 1 of the submissions does not count toward it. Last evaluated 2026-01-20.

Conditions:
BBS4-related disorder. Also called: BBS4-related condition.
Bardet-Biedl syndrome (BBS). Identifiers: Orphanet 110, MedGen C0752166, MONDO:0015229.
Bardet-Biedl syndrome 4 (BBS4). Identifiers: Orphanet 110, MedGen C2936864, MONDO:0014433, OMIM 615982.

Submissions (5):

Labcorp Genetics (formerly Invitae), Labcorp
Classification: Pathogenic for Bardet-Biedl syndrome. Last evaluated: 2026-01-20. Review status: criteria provided, single submitter. Criteria: Invitae Variant Classification Sherloc (09022015). Collection method: clinical testing. Allele origin: germline.
Comment: This sequence change creates a premature translational stop signal (p.Leu114Trpfs*28) in the BBS4 gene. It is expected to result in an absent or disrupted protein product. Loss-of-function variants in BBS4 are known to be pathogenic (PMID: 11381270, 12016587, 20177705, 26355662, 27894351). This variant is present in population databases (rs750258633, gnomAD 0.002%). This premature translational stop signal has been observed in individual(s) with Bardet-Biedl syndrome however it did not segregate with disease in the family and a second BBS4 variant was not identified (PMID: 19402160). ClinVar contains an entry for this variant (Variation ID: 579105). For these reasons, this variant has been classified as Pathogenic.

Fulgent Genetics
Classification: Pathogenic for Bardet-Biedl syndrome 4. Last evaluated: 2024-05-11. Review status: criteria provided, single submitter. Criteria: ACMG Guidelines, 2015. Collection method: clinical testing. Allele origin: germline.

Blueprint Genetics
Classification: Likely pathogenic for BBS4-related disorders. Last evaluated: 2024-04-16. Review status: criteria provided, single submitter. Criteria: ACMG Guidelines, 2015. Collection method: clinical testing. Allele origin: germline. Affected: yes. Observed: 4 variant alleles.

Baylor Genetics
Classification: Likely pathogenic for Bardet-Biedl syndrome 4. Last evaluated: 2023-11-08. Review status: criteria provided, single submitter. Criteria: ACMG Guidelines, 2015. Collection method: clinical testing. Allele origin: unknown.

PreventionGenetics, part of Exact Sciences
Classification: Pathogenic for BBS4-related condition. Last evaluated: 2024-08-14. Review status: no assertion criteria provided. Collection method: clinical testing. Allele origin: germline. Not counted in ClinVar's aggregate classification.
Comment: The BBS4 c.341delT variant is predicted to result in a frameshift and premature protein termination (p.Leu114Trpfs*28). This variant has been reported in the heterozygous state in a family with Bardet-Biedl syndrome that also had biallelic variants in BBS7, which were considered the primary cause of disease (Bin et al. 2009. PubMed ID: 19402160). This variant has also been reported, along with another BBS4 truncating variant, in members of a family with retinitis pigmentosa (Table S1, Schlottmann et al. 2023. PubMed ID: 37217489). This variant is reported in 0.0018% of alleles in individuals of European (non-Finnish) descent in gnomAD. Frameshift variants in BBS4 are expected to be pathogenic. For example, a different frameshift occurring at the same nucleotide position (c.341insA, p.His117Thrfs*2) has been reported in an individual undergoing sequencing for Bardet-Biedl syndrome (Table S1, Muller et al. 2010. PubMed ID: 20177705). Taken together, the c.341del variant is interpreted as pathogenic.

Literature cited by the submitters: PubMed 11381270 (cited by Labcorp Genetics (formerly Invitae), Labcorp); PubMed 12016587 (cited by Labcorp Genetics (formerly Invitae), Labcorp); PubMed 20177705 (cited by Labcorp Genetics (formerly Invitae), Labcorp); PubMed 26355662 (cited by Labcorp Genetics (formerly Invitae), Labcorp); PubMed 27894351 (cited by Labcorp Genetics (formerly Invitae), Labcorp); PubMed 19402160 (cited by Labcorp Genetics (formerly Invitae), Labcorp).